The following is an entry in ClinVar:

NM_001353921.2(ARHGEF9):c.766T>C (p.Tyr256His)

Gene: ARHGEF9 (Cdc42 guanine nucleotide exchange factor 9; minus strand). Cytogenetic location: Xq11.1.
Variant type: single nucleotide variant.
Coding change: c.766T>C on transcript NM_001353921.2 (MANE Select); coding-DNA position 766, T replaced by C.
Protein change: p.Tyr256His; replaces tyrosine 256 with histidine.
Molecular consequence: missense variant.
Genome position (GRCh38, 1-based): chrX:63,678,389, A>G on the plus strand (T>C on the coding strand, the complement: ARHGEF9 is on the minus strand). VCF-style: chrX-63678389-A-G. GRCh37 (hg19) VCF-style: chrX-62898269-A-G.
Other names: c.586T>C, p.Tyr196His (NM_001173479.2); c.439T>C, p.Tyr147His (NM_001173480.2, NM_001369042.1); c.682T>C, p.Tyr228His (NM_001330495.2, NM_001353927.2, NM_001369033.1 and 8 more transcripts); c.766T>C, p.Tyr256His (NM_001353922.2); c.784T>C, p.Tyr262His (NM_001353923.1); c.565T>C, p.Tyr189His (NM_001353924.2, NM_001353926.2, NM_001369039.1 and 1 more transcripts); c.745T>C, p.Tyr249His (NM_001353928.2, NM_001369030.1, NM_001369031.1 and 2 more transcripts); c.331T>C, p.Tyr111His (NM_001369045.1); short protein forms Y196H, Y111H, Y249H, Y189H, Y256H, Y262H, Y147H, Y228H.
Identifiers: ClinVar variation 2112486 (VCV002112486.5), dbSNP rs2519750691, ClinGen allele CA413406331.

ClinVar aggregate classification (germline): Uncertain significance. Review status: criteria provided, multiple submitters, no conflicts (2 of 4 stars). 2 submissions from 2 submitters: Uncertain significance (2). Last evaluated 2024-08-12.

Conditions:
Developmental and epileptic encephalopathy, 8 (DEE8). Also called: HYPEREKPLEXIA AND EPILEPSY. Identifiers: Orphanet 163985, Orphanet 2076, MedGen C1845102, MONDO:0010375, OMIM 300607.

Submissions (2):

Women's Health and Genetics/Laboratory Corporation of America, LabCorp
Classification: Uncertain significance. Last evaluated: 2024-08-12. Review status: criteria provided, single submitter. Criteria: LabCorp Variant Classification Summary - May 2015. Collection method: clinical testing. Allele origin: germline.
Comment: Variant summary: ARHGEF9 c.745T>C (p.Tyr249His) results in a conservative amino acid change located in the Dbl homology (DH) domain (IPR000219) of the encoded protein sequence. Four of five in-silico tools predict a damaging effect of the variant on protein function. The variant was absent in 172177 control chromosomes. The available data on variant occurrences in the general population are insufficient to allow any conclusion about variant significance. To our knowledge, no occurrence of c.745T>C in individuals affected with Early Infantile Epileptic Encephalopathy 8 and no experimental evidence demonstrating its impact on protein function have been reported. ClinVar contains an entry for this variant (Variation ID: 2112486). Based on the evidence outlined above, the variant was classified as uncertain significance.

Labcorp Genetics (formerly Invitae), Labcorp
Classification: Uncertain significance for Developmental and epileptic encephalopathy, 8. Last evaluated: 2022-03-15. Review status: criteria provided, single submitter. Criteria: Invitae Variant Classification Sherloc (09022015). Collection method: clinical testing. Allele origin: germline.
Comment: This variant is not present in population databases (gnomAD no frequency). In summary, the available evidence is currently insufficient to determine the role of this variant in disease. Therefore, it has been classified as a Variant of Uncertain Significance. Algorithms developed to predict the effect of missense changes on protein structure and function are either unavailable or do not agree on the potential impact of this missense change (SIFT: "Deleterious"; PolyPhen-2: "Probably Damaging"; Align-GVGD: "Class C0"). This variant has not been reported in the literature in individuals affected with ARHGEF9-related conditions. This sequence change replaces tyrosine, which is neutral and polar, with histidine, which is basic and polar, at codon 249 of the ARHGEF9 protein (p.Tyr249His).